The following is an entry in ClinVar:

ClinVar aggregate classification (germline): Conflicting classifications of pathogenicity. Review status: criteria provided, conflicting classifications (1 of 4 stars). 2 submissions from 2 submitters: Uncertain significance (1); Likely benign (1). Last evaluated 2024-05-15.

Allele frequency attached by ClinVar (database versions not stated): ExAC 0.00001; TOPMed 0.00001; gnomAD exomes 0.00002.
gnomAD v4.1: 22 of 1,614,202 alleles (0.0014%); highest among the groups gnomAD compares: Non-Finnish European, 0.0019%; no homozygotes.

Submissions (2):

Labcorp Genetics (formerly Invitae), Labcorp
Classification: Uncertain significance. Last evaluated: 2024-05-15. Review status: criteria provided, single submitter. Criteria: Invitae Variant Classification Sherloc (09022015). Collection method: clinical testing. Allele origin: germline.
Comment: This sequence change replaces proline, which is neutral and non-polar, with arginine, which is basic and polar, at codon 428 of the ARHGAP31 protein (p.Pro428Arg). This variant is present in population databases (rs771210000, gnomAD 0.004%). This variant has not been reported in the literature in individuals affected with ARHGAP31-related conditions. ClinVar contains an entry for this variant (Variation ID: 2654057). An algorithm developed to predict the effect of missense changes on protein structure and function (PolyPhen-2) suggests that this variant is likely to be disruptive. In summary, the available evidence is currently insufficient to determine the role of this variant in disease. Therefore, it has been classified as a Variant of Uncertain Significance.

CeGaT Center for Human Genetics Tuebingen
Classification: Likely benign. Last evaluated: 2022-08-01. Review status: criteria provided, single submitter. Criteria: CeGaT Center For Human Genetics Tuebingen Variant Classification Criteria Version 2. Collection method: clinical testing. Allele origin: germline. Affected: yes. Observed: 1 variant allele.
Comment: ARHGAP31: BP4

NM_020754.4(ARHGAP31):c.1283C>G (p.Pro428Arg)

Gene: ARHGAP31 (Rho GTPase activating protein 31; plus strand). Cytogenetic location: 3q13.33.
Variant type: single nucleotide variant.
Coding change: c.1283C>G on transcript NM_020754.4 (MANE Select); coding-DNA position 1283, C replaced by G.
Protein change: p.Pro428Arg; replaces proline 428 with arginine.
Molecular consequence: missense variant.
Genome position (GRCh38, 1-based): chr3:119,402,035, C>G. VCF-style: chr3-119402035-C-G. GRCh37 (hg19) VCF-style: chr3-119120882-C-G.
Other names: short protein forms P428R.
Identifiers: ClinVar variation 2654057 (VCV002654057.27), dbSNP rs771210000, ClinGen allele CA2553795.